The following is an entry in ClinVar:

NM_001267550.2(TTN):c.20169C>T (p.Ala6723=)

Genes: TTN (titin; minus strand), LOC126806429 (BRD4-independent group 4 enhancer GRCh37_chr2:179591393-179592592; plus strand). Cytogenetic location: 2q31.2.
Variant type: single nucleotide variant.
Coding change: c.20169C>T on transcript NM_001267550.2 (MANE Select); coding-DNA position 20169, C replaced by T.
Protein change: p.Ala6723=; no amino-acid change (alanine 6723 retained).
Molecular consequence: synonymous variant. On other transcripts: intron variant (3).
Genome position (GRCh38, 1-based): chr2:178,727,196, G>A on the plus strand (C>T on the coding strand, the complement: TTN is on the minus strand). VCF-style: chr2-178727196-G-A. GRCh37 (hg19) VCF-style: chr2-179591923-G-A.
Other names: c.19218C>T, p.Ala6406= (NM_001256850.1); c.16437C>T, p.Ala5479= (NM_133378.4); c.13282+10886C>T (NM_003319.4); c.13858+10886C>T (NM_133437.4); c.13657+10886C>T (NM_133432.3).
Identifiers: ClinVar variation 179304 (VCV000179304.17), dbSNP rs727504776, ClinGen allele CA184160.
Genomic context (GRCh38, chr2:178,727,196, plus strand): 5'-CTGAGCCTCACAAATGAAATCTCCACTGTCCTCAGTACTGAGATTGTTCATCTGTATGAC[G>A]GCCACTGAGTCAATGAAAGTCATTCTGTACTTATCACTGGCTGGAAGTTCATGTTCATTT-3'
Protein context (NP_001254479.2, residues 6713-6733): KYRMTFIDSV[Ala6723=]VIQMNNLSTE

ClinVar aggregate classification (germline): Conflicting classifications of pathogenicity. Review status: criteria provided, conflicting classifications (1 of 4 stars). 5 submissions from 5 submitters: Uncertain significance (1); Likely benign (4). Last evaluated 2026-07-24.

Conditions:
TTN-related disorder. Also called: TTN-related condition; TTN-related disease; TTN-related disorders.
Dilated cardiomyopathy 1G (CMD1G). Identifiers: Orphanet 154, MedGen C1858763, MONDO:0011400, OMIM 604145.
Autosomal recessive limb-girdle muscular dystrophy type 2J (LGMDR10). Also called: Limb-girdle muscular dystrophy, type 2J; MUSCULAR DYSTROPHY, LIMB-GIRDLE, AUTOSOMAL RECESSIVE 10. Identifiers: Orphanet 140922, MedGen C1837342, MONDO:0012127, OMIM 608807.

Allele frequency attached by ClinVar (database versions not stated): gnomAD 0.00001; gnomAD exomes 0.00001; TOPMed 0.00001; ExAC 0.00002.
gnomAD v4.1: 18 of 1,613,012 alleles (0.0011%); highest among the groups gnomAD compares: African/African-American, 0.0013%; no homozygotes.

Submissions (5):

PreventionGenetics, part of Exact Sciences
Classification: Likely benign for TTN-related condition. Last evaluated: 2026-07-24. Review status: criteria provided, single submitter. Criteria: ACMG Guidelines, 2015. Collection method: clinical testing. Allele origin: germline.
Comment: This variant is classified as likely benign based on ACMG/AMP sequence variant interpretation guidelines (Richards et al. 2015 PMID: 25741868, with internal and published modifications).

Labcorp Genetics (formerly Invitae), Labcorp
Classification: Likely benign for Dilated cardiomyopathy 1G; Autosomal recessive limb-girdle muscular dystrophy type 2J. Last evaluated: 2025-09-27. Review status: criteria provided, single submitter. Criteria: Invitae Variant Classification Sherloc (09022015). Collection method: clinical testing. Allele origin: germline.

Revvity Omics, Revvity
Classification: Uncertain significance. Last evaluated: 2019-06-25. Review status: criteria provided, single submitter. Criteria: ACMG Guidelines, 2015. Collection method: clinical testing. Allele origin: germline.

GeneDx
Classification: Likely benign. Last evaluated: 2016-10-07. Review status: criteria provided, single submitter. Criteria: GeneDx Variant Classification (06012015). Collection method: clinical testing. Allele origin: germline. Affected: yes.
Comment: This variant is considered likely benign or benign based on one or more of the following criteria: it is a conservative change, it occurs at a poorly conserved position in the protein, it is predicted to be benign by multiple in silico algorithms, and/or has population frequency not consistent with disease.

Laboratory for Molecular Medicine, Mass General Brigham Personalized Medicine
Classification: Likely benign. Last evaluated: 2015-04-03. Review status: criteria provided, single submitter. Criteria: LMM Criteria. Collection method: clinical testing. Allele origin: germline. Observed: 2 variant alleles.
Comment: p.Ala5479Ala in exon 66 of TTN: This variant is not expected to have clinical si gnificance because it does not alter an amino acid residue and is not located wi thin the splice consensus sequence. It has been identified in 2/66616 European c hromosomes by the Exome Aggregation Consortium (ExAC .org).